The following is an entry in ClinVar:

NM_014334.4(FRRS1L):c.601C>G (p.Arg201Gly)

Gene: FRRS1L (ferric chelate reductase 1 like; minus strand). Cytogenetic location: 9q31.3.
Variant type: single nucleotide variant.
Coding change: c.601C>G on transcript NM_014334.4 (MANE Select); coding-DNA position 601, C replaced by G.
Protein change: p.Arg201Gly; replaces arginine 201 with glycine.
Molecular consequence: missense variant.
Genome position (GRCh38, 1-based): chr9:109,141,451, G>C on the plus strand (C>G on the coding strand, the complement: FRRS1L is on the minus strand). VCF-style: chr9-109141451-G-C. GRCh37 (hg19) VCF-style: chr9-111903731-G-C.
Other names: short protein forms R201G.
Identifiers: ClinVar variation 2122691 (VCV002122691.4), dbSNP rs764520399, ClinGen allele CA374424168.

ClinVar aggregate classification (germline): Uncertain significance (1 of 4 stars; one submission).

Conditions:
Developmental and epileptic encephalopathy, 37 (DEE37). Also called: Epileptic encephalopathy, early infantile, 37. Identifiers: MedGen C4310770, MONDO:0014859, OMIM 616981.

Submission:

Labcorp Genetics (formerly Invitae), Labcorp
Classification: Uncertain significance for Developmental and epileptic encephalopathy, 37. Last evaluated: 2022-04-07. Review status: criteria provided, single submitter. Criteria: Invitae Variant Classification Sherloc (09022015). Collection method: clinical testing. Allele origin: germline.
Comment: In summary, the available evidence is currently insufficient to determine the role of this variant in disease. Therefore, it has been classified as a Variant of Uncertain Significance. Algorithms developed to predict the effect of missense changes on protein structure and function are either unavailable or do not agree on the potential impact of this missense change (SIFT: "Tolerated"; PolyPhen-2: "Probably Damaging"; Align-GVGD: "Class C15"). This variant has not been reported in the literature in individuals affected with FRRS1L-related conditions. This sequence change replaces arginine, which is basic and polar, with glycine, which is neutral and non-polar, at codon 252 of the FRRS1L protein (p.Arg252Gly). This variant is not present in population databases (gnomAD no frequency).